The following is an entry in ClinVar:

NM_033100.4(CDHR1):c.1675G>A (p.Val559Ile)

Gene: CDHR1 (cadherin related family member 1; plus strand). Cytogenetic location: 10q23.1.
Variant type: single nucleotide variant.
Coding change: c.1675G>A on transcript NM_033100.4 (MANE Select); coding-DNA position 1675, G replaced by A.
Protein change: p.Val559Ile; replaces valine 559 with isoleucine.
Molecular consequence: missense variant.
Genome position (GRCh38, 1-based): chr10:84,212,300, G>A. VCF-style: chr10-84212300-G-A. GRCh37 (hg19) VCF-style: chr10-85972056-G-A.
Other names: c.1675G>A, p.Val559Ile (NM_001171971.3); c.1675G>A (NM_033100.2); short protein forms V559I.
Identifiers: ClinVar variation 1517610 (VCV001517610.9), dbSNP rs778340853, ClinGen allele CA5580016.

ClinVar aggregate classification (germline): Conflicting classifications of pathogenicity. Review status: criteria provided, conflicting classifications (1 of 4 stars). 3 submissions from 3 submitters: Uncertain significance (2); Likely benign (1). Last evaluated 2025-10-20.

Conditions:
Inborn genetic diseases. Identifiers: MedGen C0950123, MeSH D030342.

Allele frequency attached by ClinVar (database versions not stated): gnomAD exomes 0.00002 and 0.00003; ExAC 0.00003; gnomAD 0.00003; TOPMed 0.00004.
gnomAD v4.1: 41 of 1,614,210 alleles (0.0025%); highest among the groups gnomAD compares: East Asian, 0.011%; no homozygotes.

Submissions (3):

Labcorp Genetics (formerly Invitae), Labcorp
Classification: Uncertain significance. Last evaluated: 2025-10-20. Review status: criteria provided, single submitter. Criteria: Invitae Variant Classification Sherloc (09022015). Collection method: clinical testing. Allele origin: germline.
Comment: This sequence change replaces valine, which is neutral and non-polar, with isoleucine, which is neutral and non-polar, at codon 559 of the CDHR1 protein (p.Val559Ile). This variant is present in population databases (rs778340853, gnomAD 0.01%). This variant has not been reported in the literature in individuals affected with CDHR1-related conditions. ClinVar contains an entry for this variant (Variation ID: 1517610). Invitae Evidence Modeling of protein sequence and biophysical properties (such as structural, functional, and spatial information, amino acid conservation, physicochemical variation, residue mobility, and thermodynamic stability) indicates that this missense variant is not expected to disrupt CDHR1 protein function with a negative predictive value of 80%. In summary, the available evidence is currently insufficient to determine the role of this variant in disease. Therefore, it has been classified as a Variant of Uncertain Significance.

Ambry Genetics
Classification: Likely benign for Inborn genetic diseases. Last evaluated: 2025-03-15. Review status: criteria provided, single submitter. Criteria: Ambry Variant Classification Scheme 2023. Collection method: clinical testing. Allele origin: germline.

Blueprint Genetics
Classification: Uncertain significance. Last evaluated: 2024-02-27. Review status: criteria provided, single submitter. Criteria: ACMG Guidelines, 2015. Collection method: clinical testing. Allele origin: germline.